The following is an entry in ClinVar:

ClinVar aggregate classification (germline): Pathogenic (1 of 4 stars; one submission).

Conditions:
Osteogenesis imperfecta type 8 (OI8). Identifiers: MedGen C1970458, MONDO:0012581, OMIM 610915.

Allele frequency attached by ClinVar (database versions not stated): gnomAD 0.00001; gnomAD exomes 0.00001; TOPMed 0.00001; ExAC 0.00002.

Submission:

Labcorp Genetics (formerly Invitae), Labcorp
Classification: Pathogenic for Osteogenesis imperfecta type 8. Last evaluated: 2026-01-21. Review status: criteria provided, single submitter. Criteria: Invitae Variant Classification Sherloc (09022015). Collection method: clinical testing. Allele origin: germline.
Comment: This sequence change creates a premature translational stop signal (p.Tyr255*) in the P3H1 gene. It is expected to result in an absent or disrupted protein product. Loss-of-function variants in P3H1 are known to be pathogenic (PMID: 17277775, 18566967, 19088120, 22281939). This variant is present in population databases (rs72659349, gnomAD 0.01%). This premature translational stop signal has been observed in individual(s) with osteogenesis imperfecta (PMID: 18566967). ClinVar contains an entry for this variant (Variation ID: 1431904). For these reasons, this variant has been classified as Pathogenic.

Literature cited by the submitters: PubMed 17277775; PubMed 18566967; PubMed 19088120; PubMed 22281939.

NM_022356.4(P3H1):c.765C>A (p.Tyr255Ter)

Gene: P3H1 (prolyl 3-hydroxylase 1; minus strand). Cytogenetic location: 1p34.2.
Variant type: single nucleotide variant.
Coding change: c.765C>A on transcript NM_022356.4 (MANE Select); coding-DNA position 765, C replaced by A.
Protein change: p.Tyr255Ter; replaces tyrosine 255 with a stop codon.
Molecular consequence: nonsense.
Genome position (GRCh38, 1-based): chr1:42,759,244, G>T on the plus strand (C>A on the coding strand, the complement: P3H1 is on the minus strand). VCF-style: chr1-42759244-G-T. GRCh37 (hg19) VCF-style: chr1-43224915-G-T.
Other names: c.765C>A, p.Tyr255Ter (NM_001146289.2, NM_001243246.2); short protein forms Y255*.
Identifiers: ClinVar variation 1431904 (VCV001431904.8), dbSNP rs72659349, ClinGen allele CA802083.